The following is an entry in ClinVar:

NM_017654.4(SAMD9):c.1586C>T (p.Thr529Ile)

Gene: SAMD9 (sterile alpha motif domain containing 9; minus strand). Cytogenetic location: 7q21.2.
Variant type: single nucleotide variant.
Coding change: c.1586C>T on transcript NM_017654.4 (MANE Select); coding-DNA position 1586, C replaced by T.
Protein change: p.Thr529Ile; replaces threonine 529 with isoleucine.
Molecular consequence: missense variant.
Genome position (GRCh38, 1-based): chr7:93,104,512, G>A on the plus strand (C>T on the coding strand, the complement: SAMD9 is on the minus strand). VCF-style: chr7-93104512-G-A. GRCh37 (hg19) VCF-style: chr7-92733825-G-A.
Other names: c.1586C>T, p.Thr529Ile (NM_001193307.2); short protein forms T529I.
Identifiers: ClinVar variation 3367476 (VCV003367476.4).

ClinVar aggregate classification (germline): Uncertain significance. Review status: criteria provided, multiple submitters, no conflicts (2 of 4 stars). 3 submissions from 3 submitters: Uncertain significance (3). Last evaluated 2025-12-07.

Conditions:
Inborn genetic diseases. Identifiers: MedGen C0950123, MeSH D030342.

Submissions (3):

Ambry Genetics
Classification: Uncertain significance for Inborn genetic diseases. Last evaluated: 2025-12-07. Review status: criteria provided, single submitter. Criteria: Ambry Variant Classification Scheme 2023. Collection method: clinical testing. Allele origin: germline.
Comment: The p.T529I variant (also known as c.1586C>T), located in coding exon 1 of the SAMD9 gene, results from a C to T substitution at nucleotide position 1586. The threonine at codon 529 is replaced by isoleucine, an amino acid with similar properties. This amino acid position is conserved. In addition, this alteration is predicted to be tolerated by in silico analysis. Based on the available evidence, the clinical significance of this variant remains unclear.

Labcorp Genetics (formerly Invitae), Labcorp
Classification: Uncertain significance. Last evaluated: 2024-06-08. Review status: criteria provided, single submitter. Criteria: Invitae Variant Classification Sherloc (09022015). Collection method: clinical testing. Allele origin: germline.
Comment: This sequence change replaces threonine, which is neutral and polar, with isoleucine, which is neutral and non-polar, at codon 529 of the SAMD9 protein (p.Thr529Ile). This variant is not present in population databases (gnomAD no frequency). This variant has not been reported in the literature in individuals affected with SAMD9-related conditions. Advanced modeling of protein sequence and biophysical properties (such as structural, functional, and spatial information, amino acid conservation, physicochemical variation, residue mobility, and thermodynamic stability) performed at Invitae indicates that this missense variant is not expected to disrupt SAMD9 protein function with a negative predictive value of 95%. In summary, the available evidence is currently insufficient to determine the role of this variant in disease. Therefore, it has been classified as a Variant of Uncertain Significance.

GeneDx
Classification: Uncertain significance. Last evaluated: 2024-01-03. Review status: criteria provided, single submitter. Criteria: GeneDx Variant Classification Process June 2021. Collection method: clinical testing. Allele origin: germline. Affected: yes.
Comment: Not observed at significant frequency in large population cohorts (gnomAD); In silico analysis supports that this missense variant does not alter protein structure/function; Has not been previously published as pathogenic or benign to our knowledge; This variant is associated with the following publications: (PMID: 28545555)